The following is an entry in ClinVar:

NM_000368.5(TSC1):c.211-17T>C

Gene: TSC1 (TSC complex subunit 1; minus strand). Cytogenetic location: 9q34.13.
Variant type: single nucleotide variant.
Coding change: c.211-17T>C on transcript NM_000368.5 (MANE Select); 17 bases into the intron before coding-DNA position 211, T replaced by C.
Molecular consequence: intron variant.
Genome position (GRCh38, 1-based): chr9:132,925,756, A>G on the plus strand (T>C on the coding strand, the complement: TSC1 is on the minus strand). VCF-style: chr9-132925756-A-G. GRCh37 (hg19) VCF-style: chr9-135801143-A-G.
Other names: c.-153-17T>C (NM_001362177.2); c.210+1445T>C (NM_001162427.2); c.211-17T>C (NM_001162426.2).
Identifiers: ClinVar variation 1578394 (VCV001578394.9), dbSNP rs573140264, ClinGen allele CA200902189.
Genomic context (GRCh38, chr9:132,925,756, plus strand): 5'-GTGGCGGCTTTGCCCACATATTCGTTAATCCTGTCCAAGAGGTGCTGAAAATGTAAAAGA[A>G]CAAGGGCAGTCCTCACATGAATGTATGAAGTTAACACAAATAAAGACAGCAATGATGTGC-3'

ClinVar aggregate classification (germline): Likely benign. Review status: criteria provided, multiple submitters, no conflicts (2 of 4 stars). 2 submissions from 2 submitters: Likely benign (2). Last evaluated 2025-05-15.

Conditions:
Tuberous sclerosis 1 (TSC1). Identifiers: Orphanet 805, MedGen C1854465, MONDO:0008612, OMIM 191100.

Allele frequency attached by ClinVar (database versions not stated): gnomAD exomes below 0.00001; gnomAD 0.00001; 1000 Genomes Project 30x 0.00016; 1000 Genomes Project 0.00020.
gnomAD v4.1: 3 of 1,614,226 alleles (0.00019%); highest among the groups gnomAD compares: Admixed American, 0.005%; no homozygotes.

Submissions (2):

Labcorp Genetics (formerly Invitae), Labcorp
Classification: Likely benign for Tuberous sclerosis 1. Last evaluated: 2025-05-15. Review status: criteria provided, single submitter. Criteria: Invitae Variant Classification Sherloc (09022015). Collection method: clinical testing. Allele origin: germline.

Myriad Genetics, Inc.
Classification: Likely benign for Tuberous sclerosis 1. Last evaluated: 2025-04-07. Review status: criteria provided, single submitter. Criteria: Myriad Autosomal Dominant, Autosomal Recessive and X-Linked Classification Criteria (2023). Collection method: clinical testing. Allele origin: unknown.
Comment: This variant is considered likely benign. This variant is intronic and is not expected to impact mRNA splicing.